The following is an entry in ClinVar:

NM_006929.5(SKIC2):c.2341-16C>T

Gene: SKIC2 (SKI2 subunit of superkiller complex; plus strand). Cytogenetic location: 6p21.33.
Variant type: single nucleotide variant.
Coding change: c.2341-16C>T on transcript NM_006929.5 (MANE Select); 16 bases into the intron before coding-DNA position 2341, C replaced by T.
Molecular consequence: intron variant.
Genome position (GRCh38, 1-based): chr6:31,966,988, C>T. VCF-style: chr6-31966988-C-T. GRCh37 (hg19) VCF-style: chr6-31934765-C-T.
Identifiers: ClinVar variation 1165928 (VCV001165928.10), dbSNP rs55880341, ClinGen allele CA3729752.

ClinVar aggregate classification (germline): Benign/Likely benign. Review status: criteria provided, multiple submitters, no conflicts (2 of 4 stars). 2 submissions from 2 submitters: Benign (1); Likely benign (1). Last evaluated 2026-07-01.

Allele frequency attached by ClinVar (database versions not stated): ESP Exome Variant Server 0.00036; gnomAD 0.00151 and 0.00170; 1000 Genomes Project 30x 0.00281; ExAC 0.00288; 1000 Genomes Project 0.00339.
gnomAD v4.1: 1,843 of 1,612,956 alleles (0.11%); highest among the groups gnomAD compares: East Asian, 1.4%; 16 homozygotes.

Submissions (2):

CeGaT Center for Human Genetics Tuebingen
Classification: Likely benign. Last evaluated: 2026-07-01. Review status: criteria provided, single submitter. Criteria: CeGaT Center For Human Genetics Tuebingen Variant Classification Criteria Version 2. Collection method: clinical testing. Allele origin: germline. Affected: yes. Observed: 1 variant allele.
Comment: SKIC2: BP4, BP7, BS1

Labcorp Genetics (formerly Invitae), Labcorp
Classification: Benign. Last evaluated: 2026-02-01. Review status: criteria provided, single submitter. Criteria: Invitae Variant Classification Sherloc (09022015). Collection method: clinical testing. Allele origin: germline.